The following is an entry in ClinVar:

NM_005157.6(ABL1):c.3383T>G (p.Val1128Gly)

Gene: ABL1 (ABL proto-oncogene 1, non-receptor tyrosine kinase; plus strand). Cytogenetic location: 9q34.12.
Variant type: single nucleotide variant.
Coding change: c.3383T>G on transcript NM_005157.6 (MANE Select); coding-DNA position 3383, T replaced by G.
Protein change: p.Val1128Gly; replaces valine 1128 with glycine.
Molecular consequence: missense variant.
Genome position (GRCh38, 1-based): chr9:130,885,673, T>G. VCF-style: chr9-130885673-T-G. GRCh37 (hg19) VCF-style: chr9-133761060-T-G.
Other names: c.3440T>G, p.Val1147Gly (NM_007313.3); short protein forms V1128G, V1147G.
Identifiers: ClinVar variation 4801870 (VCV004801870.1).
Genomic context (GRCh38, chr9:130,885,673, plus strand): 5'-CAGCGGCCACTCAGGACTTCAGCAAGCTCCTCAGTTCGGTGAAGGAAATCAGTGACATAG[T>G]GCAGAGGTAGCAGCAGTCAGGGGTCAGGTGTCAGGCCCGTCGGAGCTGCCTGCAGCACAT-3'
Protein context (NP_005148.2, residues 1118-1130): LSSVKEISDI[Val1128Gly]QR

ClinVar aggregate classification (germline): Uncertain significance (1 of 4 stars; one submission).

Submission:

Labcorp Genetics (formerly Invitae), Labcorp
Classification: Uncertain significance. Last evaluated: 2025-08-10. Review status: criteria provided, single submitter. Criteria: Invitae Variant Classification Sherloc (09022015). Collection method: clinical testing. Allele origin: germline.
Comment: This sequence change replaces valine, which is neutral and non-polar, with glycine, which is neutral and non-polar, at codon 1147 of the ABL1 protein (p.Val1147Gly). This variant is not present in population databases (gnomAD no frequency). This variant has not been reported in the literature in individuals affected with ABL1-related conditions. Invitae Evidence Modeling of protein sequence and biophysical properties (such as structural, functional, and spatial information, amino acid conservation, physicochemical variation, residue mobility, and thermodynamic stability) indicates that this missense variant is not expected to disrupt ABL1 protein function with a negative predictive value of 95%. In summary, the available evidence is currently insufficient to determine the role of this variant in disease. Therefore, it has been classified as a Variant of Uncertain Significance.